The following is an entry in ClinVar:

NM_000051.4(ATM):c.6112C>A (p.His2038Asn)

Genes: ATM (ATM serine/threonine kinase; plus strand), C11orf65 (chromosome 11 open reading frame 65; minus strand). Cytogenetic location: 11q22.3.
Variant type: single nucleotide variant.
Coding change: c.6112C>A on transcript NM_000051.4 (MANE Select); coding-DNA position 6112, C replaced by A.
Protein change: p.His2038Asn; replaces histidine 2038 with asparagine.
Molecular consequence: missense variant. On other transcripts: intron variant (2).
Genome position (GRCh38, 1-based): chr11:108,316,027, C>A. VCF-style: chr11-108316027-C-A. GRCh37 (hg19) VCF-style: chr11-108186754-C-A.
Other names: c.6112C>A, p.His2038Asn (NM_001351834.2); c.641-6956G>T (NM_001330368.2); c.*39-6956G>T (NM_001351110.2); short protein forms H2038N.
Identifiers: ClinVar variation 407634 (VCV000407634.53), dbSNP rs1060501643, ClinGen allele CA16613401.

ClinVar aggregate classification (germline): Uncertain significance. Review status: criteria provided, multiple submitters, no conflicts (2 of 4 stars). 4 submissions from 4 submitters: Uncertain significance (4). Last evaluated 2025-08-13.

Conditions:
Hereditary cancer-predisposing syndrome. Also called: Neoplastic Syndromes, Hereditary; Hereditary Cancer Syndrome; Tumor predisposition; Hereditary neoplastic syndrome. Identifiers: Orphanet 140162, MedGen C0027672, MeSH D009386, MONDO:0015356.
Ataxia-telangiectasia syndrome (AT). Also called: LOUIS-BAR SYNDROME; Cerebello-oculocutaneous telangiectasia; Immunodeficiency with ataxia telangiectasia; Ataxia-telangiectasia, complementation group D; AT, COMPLEMENTATION GROUP C; Ataxia-telangiectasia, complementation group E. Identifiers: Orphanet 100, MedGen C0004135, MONDO:0008840, OMIM 208900.

Submissions (4):

Labcorp Genetics (formerly Invitae), Labcorp
Classification: Uncertain significance for Ataxia-telangiectasia syndrome. Last evaluated: 2025-08-13. Review status: criteria provided, single submitter. Criteria: Invitae Variant Classification Sherloc (09022015). Collection method: clinical testing. Allele origin: germline.
Comment: This sequence change replaces histidine, which is basic and polar, with asparagine, which is neutral and polar, at codon 2038 of the ATM protein (p.His2038Asn). This variant is not present in population databases (gnomAD no frequency). This variant has not been reported in the literature in individuals affected with ATM-related conditions. ClinVar contains an entry for this variant (Variation ID: 407634). Invitae Evidence Modeling of protein sequence and biophysical properties (such as structural, functional, and spatial information, amino acid conservation, physicochemical variation, residue mobility, and thermodynamic stability) indicates that this missense variant is not expected to disrupt ATM protein function with a negative predictive value of 95%. In summary, the available evidence is currently insufficient to determine the role of this variant in disease. Therefore, it has been classified as a Variant of Uncertain Significance.

MGZ Medical Genetics Center
Classification: Uncertain significance for Ataxia-telangiectasia syndrome. Last evaluated: 2021-11-04. Review status: criteria provided, single submitter. Criteria: ACMG Guidelines, 2015. Collection method: clinical testing. Allele origin: germline. Affected: yes. Observed: 1 variant allele.
Comment: ACMG criteria applied: PM1, PM2_SUP, PP3

Ambry Genetics
Classification: Uncertain significance for Hereditary cancer-predisposing syndrome. Last evaluated: 2021-06-29. Review status: criteria provided, single submitter. Criteria: Ambry Variant Classification Scheme 2023. Collection method: clinical testing. Allele origin: germline.
Comment: The p.H2038N variant (also known as c.6112C>A), located in coding exon 41 of the ATM gene, results from a C to A substitution at nucleotide position 6112. The histidine at codon 2038 is replaced by asparagine, an amino acid with similar properties. This amino acid position is conserved. In addition, this alteration is predicted to be tolerated by in silico analysis. Since supporting evidence is limited at this time, the clinical significance of this alteration remains unclear.

GeneDx
Classification: Uncertain significance. Last evaluated: 2020-02-18. Review status: criteria provided, single submitter. Criteria: GeneDx Variant Classification Process June 2021. Collection method: clinical testing. Allele origin: germline. Affected: yes.
Comment: Not observed in large population cohorts (Lek 2016); In silico analysis supports that this missense variant has a deleterious effect on protein structure/function; Has not been previously published as pathogenic or benign to our knowledge